The following is an entry in ClinVar:

NM_001844.5(COL2A1):c.3194G>A (p.Gly1065Glu)

Gene: COL2A1 (collagen type II alpha 1 chain; minus strand). Cytogenetic location: 12q13.11.
Variant type: single nucleotide variant.
Coding change: c.3194G>A on transcript NM_001844.5 (MANE Select); coding-DNA position 3194, G replaced by A.
Protein change: p.Gly1065Glu; replaces glycine 1065 with glutamic acid.
Molecular consequence: missense variant.
Genome position (GRCh38, 1-based): chr12:47,977,399, C>T on the plus strand (G>A on the coding strand, the complement: COL2A1 is on the minus strand). VCF-style: chr12-47977399-C-T. GRCh37 (hg19) VCF-style: chr12-48371182-C-T.
Other names: c.2987G>A, p.Gly996Glu (NM_033150.3); short protein forms G996E, G1065E.
Identifiers: ClinVar variation 2114115 (VCV002114115.4), dbSNP rs2540107941, ClinGen allele CA384540416.

ClinVar aggregate classification (germline): Likely pathogenic (1 of 4 stars; one submission).

Submission:

Labcorp Genetics (formerly Invitae), Labcorp
Classification: Likely pathogenic. Last evaluated: 2022-03-19. Review status: criteria provided, single submitter. Criteria: Invitae Variant Classification Sherloc (09022015). Collection method: clinical testing. Allele origin: germline.
Comment: This variant has not been reported in the literature in individuals affected with COL2A1-related conditions. This variant is not present in population databases (gnomAD no frequency). This sequence change replaces glycine, which is neutral and non-polar, with glutamic acid, which is acidic and polar, at codon 1065 of the COL2A1 protein (p.Gly1065Glu). In summary, the currently available evidence indicates that the variant is pathogenic, but additional data are needed to prove that conclusively. Therefore, this variant has been classified as Likely Pathogenic. This variant disrupts the triple helix domain of COL2A1. Glycine residues within the Gly-Xaa-Yaa repeats of the triple helix domain are required for the structure and stability of fibrillar collagens (PMID: 7695699, 8218237, 19344236). In COL2A1, variants affecting these glycine residues are significantly enriched in individuals with disease (PMID: 9016532, 17078022) compared to the general population (ExAC). Advanced modeling of protein sequence and biophysical properties (such as structural, functional, and spatial information, amino acid conservation, physicochemical variation, residue mobility, and thermodynamic stability) performed at Invitae indicates that this missense variant is expected to disrupt COL2A1 protein function.

Literature cited by the submitters: PubMed 7695699; PubMed 8218237; PubMed 19344236; PubMed 9016532; PubMed 17078022.